The following is an entry in ClinVar:

ClinVar aggregate classification (germline): Uncertain significance. Review status: criteria provided, multiple submitters, no conflicts (2 of 4 stars). 2 submissions from 2 submitters: Uncertain significance (2). Last evaluated 2024-03-30.

Conditions:
Gastrointestinal stromal tumor. Also called: Gastrointestinal stromal tumor, somatic; Gastrointestinal stroma tumor. Identifiers: Orphanet 44890, MedGen C0238198, MeSH D046152, MONDO:0011719, OMIM 606764, HP:0100723.
Hereditary cancer-predisposing syndrome. Also called: Hereditary neoplastic syndrome; Neoplastic Syndromes, Hereditary; Hereditary Cancer Syndrome; Tumor predisposition. Identifiers: Orphanet 140162, MedGen C0027672, MeSH D009386, MONDO:0015356.

Allele frequency attached by ClinVar (database versions not stated): gnomAD exomes below 0.00001.
gnomAD v4.1: 1 of 1,613,958 alleles (0.000062%); highest among the groups gnomAD compares: Non-Finnish European, 0.000085%; no homozygotes.

Submissions (2):

Ambry Genetics
Classification: Uncertain significance for Hereditary cancer-predisposing syndrome. Last evaluated: 2024-03-30. Review status: criteria provided, single submitter. Criteria: Ambry Variant Classification Scheme 2023. Collection method: clinical testing. Allele origin: germline.
Comment: The p.A90G variant (also known as c.269C>G), located in coding exon 2 of the PDGFRA gene, results from a C to G substitution at nucleotide position 269. The alanine at codon 90 is replaced by glycine, an amino acid with similar properties. This amino acid position is conserved. In addition, the in silico prediction for this alteration is inconclusive. Based on the available evidence, the clinical significance of this alteration remains unclear.

Labcorp Genetics (formerly Invitae), Labcorp
Classification: Uncertain significance for Gastrointestinal stromal tumor. Last evaluated: 2023-09-03. Review status: criteria provided, single submitter. Criteria: Invitae Variant Classification Sherloc (09022015). Collection method: clinical testing. Allele origin: germline.
Comment: In summary, the available evidence is currently insufficient to determine the role of this variant in disease. Therefore, it has been classified as a Variant of Uncertain Significance. Advanced modeling of protein sequence and biophysical properties (such as structural, functional, and spatial information, amino acid conservation, physicochemical variation, residue mobility, and thermodynamic stability) performed at Invitae indicates that this missense variant is not expected to disrupt PDGFRA protein function. ClinVar contains an entry for this variant (Variation ID: 947090). This variant has not been reported in the literature in individuals affected with PDGFRA-related conditions. This variant is not present in population databases (gnomAD no frequency). This sequence change replaces alanine, which is neutral and non-polar, with glycine, which is neutral and non-polar, at codon 90 of the PDGFRA protein (p.Ala90Gly).

NM_006206.6(PDGFRA):c.269C>G (p.Ala90Gly)

Gene: PDGFRA (platelet derived growth factor receptor alpha; plus strand). Cytogenetic location: 4q12.
Variant type: single nucleotide variant.
Coding change: c.269C>G on transcript NM_006206.6 (MANE Select); coding-DNA position 269, C replaced by G.
Protein change: p.Ala90Gly; replaces alanine 90 with glycine.
Molecular consequence: missense variant.
Genome position (GRCh38, 1-based): chr4:54,261,314, C>G. VCF-style: chr4-54261314-C-G. GRCh37 (hg19) VCF-style: chr4-55127481-C-G.
Other names: c.269C>G, p.Ala90Gly (NM_001347827.2, NM_001347829.2); c.344C>G, p.Ala115Gly (NM_001347828.2); c.308C>G, p.Ala103Gly (NM_001347830.2); short protein forms A90G, A103G, A115G.
Identifiers: ClinVar variation 947090 (VCV000947090.11), dbSNP rs1722697797, ClinGen allele CA356888729.